The following is an entry in ClinVar:

NM_001363711.2(DUOX2):c.558C>T (p.Gly186=)

Genes: DUOXA2 (dual oxidase maturation factor 2; plus strand), DUOX2 (dual oxidase 2; minus strand). Cytogenetic location: 15q21.1.
Variant type: single nucleotide variant.
Coding change: c.558C>T on transcript NM_001363711.2 (MANE Select); coding-DNA position 558, C replaced by T.
Protein change: p.Gly186=; no amino-acid change (glycine 186 retained).
Molecular consequence: synonymous variant.
Genome position (GRCh38, 1-based): chr15:45,111,541, G>A on the plus strand (C>T on the coding strand, the complement: DUOX2 is on the minus strand). VCF-style: chr15-45111541-G-A. GRCh37 (hg19) VCF-style: chr15-45403739-G-A.
Other names: c.-3065G>A (NM_207581.4); c.558C>T, p.Gly186= (NM_014080.5).
Identifiers: ClinVar variation 316183 (VCV000316183.9), dbSNP rs2467830, ClinGen allele CA7538904.

ClinVar aggregate classification (germline): Conflicting classifications of pathogenicity. Review status: criteria provided, conflicting classifications (1 of 4 stars). 3 submissions from 3 submitters: Uncertain significance (1); Benign (1); Likely benign (1). Last evaluated 2025-09-05.

Conditions:
Thyroid dyshormonogenesis 6 (TDH6). Also called: THYROID HORMONOGENESIS, GENETIC DEFECT IN, 6; Genetic transient congenital hypothyroidism; HYPOTHYROIDISM, CONGENITAL, DUE TO DYSHORMONOGENESIS, 6. Identifiers: Orphanet 226316, Orphanet 95716, MedGen C1846632, MONDO:0011792, OMIM 607200.

Allele frequency attached by ClinVar (database versions not stated): gnomAD 0.00090; gnomAD exomes 0.00090 and 0.00234; 1000 Genomes Project 30x 0.00375; ExAC 0.00579; 1000 Genomes Project 0.00679.
gnomAD v4.1: 1,431 of 1,548,386 alleles (0.092%); highest among the groups gnomAD compares: South Asian, 0.96%; 23 homozygotes.

Submissions (3):

Women's Health and Genetics/Laboratory Corporation of America, LabCorp
Classification: Benign. Last evaluated: 2025-09-05. Review status: criteria provided, single submitter. Criteria: LabCorp Variant Classification Summary - May 2015. Collection method: clinical testing. Allele origin: germline.
Comment: Variant summary: DUOXA2 c.-3065G>A is located in the untranscribed region upstream of the DUOXA2 gene region. The variant allele was found at a frequency of 0.00092 in 1548386 control chromosomes, predominantly at a frequency of 0.0096 within the South Asian subpopulation in the gnomAD database, including 23 homozygotes. The observed variant frequency within South Asian control individuals in the gnomAD database exceeds the estimated maximal expected allele frequency for disease-causing variants in DUOXA2. To our knowledge, no occurrence of c.-3065G>A in individuals affected with DUOXA2-related conditions and no experimental evidence demonstrating its impact on protein function have been reported. ClinVar contains an entry for this variant (Variation ID: 316183). Based on the evidence outlined above, the variant was classified as benign.

Labcorp Genetics (formerly Invitae), Labcorp
Classification: Likely benign. Last evaluated: 2018-12-03. Review status: criteria provided, single submitter. Criteria: Invitae Variant Classification Sherloc (09022015). Collection method: clinical testing. Allele origin: germline.

Illumina Laboratory Services, Illumina
Classification: Uncertain significance for Thyroid dyshormonogenesis 6. Last evaluated: 2018-01-13. Review status: criteria provided, single submitter. Criteria: ICSL Variant Classification Criteria 13 December 2019. Collection method: clinical testing. Allele origin: germline.